The following is an entry in ClinVar:

ClinVar aggregate classification (germline): Likely benign. Review status: criteria provided, multiple submitters, no conflicts (2 of 4 stars). 3 submissions from 3 submitters: Likely benign (3). Last evaluated 2023-05-05.

Conditions:
Cardiovascular phenotype. Identifiers: MedGen CN230736.
Dilated cardiomyopathy 1G (CMD1G). Identifiers: Orphanet 154, MedGen C1858763, MONDO:0011400, OMIM 604145.
Autosomal recessive limb-girdle muscular dystrophy type 2J (LGMDR10). Also called: Limb-girdle muscular dystrophy, type 2J; MUSCULAR DYSTROPHY, LIMB-GIRDLE, AUTOSOMAL RECESSIVE 10. Identifiers: Orphanet 140922, MedGen C1837342, MONDO:0012127, OMIM 608807.

Allele frequency attached by ClinVar (database versions not stated): gnomAD 0.00001 and 0.00002.
gnomAD v4.1: 6 of 1,561,192 alleles (0.00038%); highest among the groups gnomAD compares: South Asian, 0.0025%; 1 homozygote.

Submissions (3):

Labcorp Genetics (formerly Invitae), Labcorp
Classification: Likely benign for Dilated cardiomyopathy 1G; Autosomal recessive limb-girdle muscular dystrophy type 2J. Last evaluated: 2023-05-05. Review status: criteria provided, single submitter. Criteria: Invitae Variant Classification Sherloc (09022015). Collection method: clinical testing. Allele origin: germline.

CeGaT Center for Human Genetics Tuebingen
Classification: Likely benign. Last evaluated: 2023-03-01. Review status: criteria provided, single submitter. Criteria: CeGaT Center For Human Genetics Tuebingen Variant Classification Criteria Version 2. Collection method: clinical testing. Allele origin: germline. Affected: yes. Observed: 1 variant allele.
Comment: TTN: BP4, BP7

Ambry Genetics
Classification: Likely benign for Cardiovascular phenotype. Last evaluated: 2021-11-04. Review status: criteria provided, single submitter. Criteria: Ambry Variant Classification Scheme 2023. Collection method: clinical testing. Allele origin: germline.

NM_001267550.2(TTN):c.14022G>A (p.Glu4674=)

Gene: TTN (titin; minus strand). Cytogenetic location: 2q31.2.
Variant type: single nucleotide variant.
Coding change: c.14022G>A on transcript NM_001267550.2 (MANE Select); coding-DNA position 14022, G replaced by A.
Protein change: p.Glu4674=; no amino-acid change (glutamic acid 4674 retained).
Molecular consequence: synonymous variant. On other transcripts: intron variant (1).
Genome position (GRCh38, 1-based): chr2:178,739,211, C>T on the plus strand (G>A on the coding strand, the complement: TTN is on the minus strand). VCF-style: chr2-178739211-C-T. GRCh37 (hg19) VCF-style: chr2-179603938-C-T.
Other names: c.13071G>A, p.Glu4357= (NM_001256850.1); c.12933G>A, p.Glu4311= (NM_003319.4); c.13308G>A, p.Glu4436= (NM_133432.3); c.13509G>A, p.Glu4503= (NM_133437.4); c.10361-851G>A (NM_133378.4).
Identifiers: ClinVar variation 466822 (VCV000466822.35), dbSNP rs761849101, ClinGen allele CA430295318.